The following is an entry in ClinVar:

ClinVar aggregate classification (germline): Pathogenic. Review status: criteria provided, multiple submitters, no conflicts (2 of 4 stars). 12 submissions from 12 submitters: Pathogenic (10). 2 of the submissions do not count toward it. Last evaluated 2025-09-16.

Conditions:
APC-related disorder. Also called: APC-related condition.
Inherited polyposis and early onset colorectal cancer - germline testing.
Hereditary cancer-predisposing syndrome. Also called: Tumor predisposition; Neoplastic Syndromes, Hereditary; Hereditary Cancer Syndrome; Hereditary neoplastic syndrome. Identifiers: Orphanet 140162, MedGen C0027672, MeSH D009386, MONDO:0015356.
Desmoid disease, hereditary (DESMD). Also called: FIBROMATOSIS, FAMILIAL INFILTRATIVE. Identifiers: Orphanet 873, MedGen C1851124, OMIM 135290. Disease mechanism: loss of function.
Gastric adenocarcinoma and proximal polyposis of the stomach (GAPPS). Also called: Polyposis, gastric, Dos Santos and de Magalhaes 1980; Gastric Adenocarcinoma and Proximal Polyposis of the Stomach (GAPPS); POLYPOSIS, GASTRIC. Identifiers: Orphanet 314022, MedGen C4749917, MONDO:0017790, OMIM 619182.
Hepatocellular carcinoma (HCC). Also called: Primary carcinoma of liver; HEPATOMA; LIVER CELL CARCINOMA. Identifiers: Orphanet 88673, MedGen C2239176, MONDO:0007256, OMIM 114550, HP:0001402.
Gastric cancer. Also called: Stomach cancer; Malignant tumor of stomach. Identifiers: MedGen C0024623, MeSH D013274, MONDO:0001056, OMIM 613659, HP:0012126.
Colorectal cancer. Also called: Colorectal cancer, somatic; Malignant Colorectal Neoplasm. Identifiers: MedGen C0346629, MONDO:0005575, OMIM 114500.
Familial adenomatous polyposis 1 (FAP1). Also called: FAMILIAL ADENOMATOUS POLYPOSIS 1, ATTENUATED; POLYPOSIS, ADENOMATOUS INTESTINAL. Identifiers: MedGen C2713442, MONDO:0021056, OMIM 175100. Disease mechanism: loss of function.
Familial multiple polyposis syndrome (FAP). Also called: Classic familial adenomatous polyposis; Familial Adenomatous Polyposis (FAP); Familial adenomatous polyposis; Familial intestinal polyposis; Familial polyposis. Identifiers: Orphanet 733, MedGen C0032580, MONDO:0021055. Disease mechanism: loss of function.

Allele frequency attached by ClinVar (database versions not stated): TOPMed below 0.00001; gnomAD 0.00001.

Submissions (12):

Color Diagnostics, LLC DBA Color Health
Classification: Pathogenic for Hereditary cancer-predisposing syndrome. Last evaluated: 2025-09-16. Review status: criteria provided, single submitter. Criteria: ACMG Guidelines, 2015. Collection method: clinical testing. Allele origin: germline.
Comment: This variant deletes 1 nucleotide in exon 16 of the APC gene, creating a frameshift and premature translation stop signal. This variant is expected to result in an absent or non-functional protein product. This variant has been reported in numerous individuals affected with familial adenomatous polyposis (PMID: 11247896, 20223039, 22425061, 23460355, 25590978, 26690363). This variant has not been identified in the general population by the Genome Aggregation Database (gnomAD). Loss of APC function is a known mechanism of disease. Based on the available evidence, this variant is classified as Pathogenic.

Labcorp Genetics (formerly Invitae), Labcorp
Classification: Pathogenic for Familial adenomatous polyposis 1. Last evaluated: 2025-04-07. Review status: criteria provided, single submitter. Criteria: Invitae Variant Classification Sherloc (09022015). Collection method: clinical testing. Allele origin: germline.
Comment: This sequence change creates a premature translational stop signal (p.Ala1050Glufs*6) in the APC gene. While this is not anticipated to result in nonsense mediated decay, it is expected to disrupt the last 1794 amino acid(s) of the APC protein. This variant is not present in population databases (gnomAD no frequency). This premature translational stop signal has been observed in individual(s) with familial adenomatous polyposis (PMID: 11247896, 23460355, 25590978). ClinVar contains an entry for this variant (Variation ID: 183078). This variant is expected to disrupt the EB1 and HDLG binding sites, which mediate interactions with the cytoskeleton (PMID: 15311282, 17293347). While functional studies have not been performed to directly test the effect on APC protein function, this suggests that disruption of the C-terminal portion of the protein is functionally important. A different truncation (p.Tyr2645Lysfs*14) that lies downstream of this variant has been determined to be pathogenic (PMID: 9824584, 1316610, 27081525, 8381579, 22135120, internal data). This suggests that deletion of this region of the APC protein is causative of disease. For these reasons, this variant has been classified as Pathogenic.

Cambridge Genomics Laboratory, East Genomic Laboratory Hub, NHS Genomic Medicine Service
Classification: Pathogenic for Inherited polyposis and early onset colorectal cancer - germline testing. Last evaluated: 2024-07-16. Review status: criteria provided, single submitter. Criteria: ACGS Best Practice Guidelines for Variant Classification in Rare Disease 2020. Collection method: clinical testing. Allele origin: germline. Affected: yes.
Comment: PVS1,PS4_Moderate,PM2_Supporting

Women's Health and Genetics/Laboratory Corporation of America, LabCorp
Classification: Pathogenic for Familial multiple polyposis syndrome. Last evaluated: 2023-07-19. Review status: criteria provided, single submitter. Criteria: LabCorp Variant Classification Summary - May 2015. Collection method: clinical testing. Allele origin: germline.
Comment: Variant summary: APC c.3149delC (p.Ala1050GlufsX6) results in a premature termination codon, and although it is not expected to undergo nonsense mediated decay, it is predicted to cause a truncation of the encoded protein, a commonly known mechanism for disease. Variants downstream of this position have been classified as pathogenic by our laboratory. The variant was absent in 250600 control chromosomes (gnomAD). c.3149delC has been reported in the literature in multiple individuals affected with Familial Adenomatous Polyposis (FAP), including those who also have a positive family history of FAP and/or colorectal cancer (e.g. Friedl_2001, Cruz-Correa_2013, Inra_2015). These data indicate that the variant is likely to be associated with disease. The following publications have been ascertained in the context of this evaluation (PMID: 23460355, 11247896, 20223039, 25590978). Six submitters have cited clinical-significance assessments for this variant to ClinVar after 2014 and all classified the variant as pathogenic. Based on the evidence outlined above, the variant was classified as pathogenic.

Ambry Genetics
Classification: Pathogenic for Hereditary cancer-predisposing syndrome. Last evaluated: 2023-04-24. Review status: criteria provided, single submitter. Criteria: Ambry Variant Classification Scheme 2023. Collection method: clinical testing. Allele origin: germline.
Comment: The c.3149delC pathogenic mutation, located in coding exon 15 of the APC gene, results from a deletion of one nucleotide at nucleotide position 3149, causing a translational frameshift with a predicted alternate stop codon (p.A1050Efs*6). This mutation hsa been detected in multiple individuals with Familial Adenomatous Polyposis (FAP) (Friedl W et al. Gut. 2001 Apr;48:515-21; Friedl W and Aretz S. Hered Cancer Clin Pract. 2005 Sep;3:95-114; Steinhagen E et al. Clin Colorectal Cancer. 2012 Dec;11:304-8; Cruz-Correa M et al. Fam. Cancer. 2013 Sep;12:555-62; Inra JA et al. Genet. Med. 2015 Oct;17:815-21; Casellas-Cabrera N et al. Fam. Cancer. 2016 Apr;15:267-74). In addition to the clinical data presented in the literature, this alteration is expected to result in loss of function by premature protein truncation. As such, this alteration is interpreted as a disease-causing mutation.

Myriad Genetics, Inc.
Classification: Pathogenic for Familial adenomatous polyposis 1. Last evaluated: 2023-02-17. Review status: criteria provided, single submitter. Criteria: Myriad Autosomal Dominant, Autosomal Recessive and X-Linked Classification Criteria (2023). Collection method: clinical testing. Allele origin: unknown.
Comment: This variant is considered pathogenic. This variant creates a frameshift predicted to result in premature protein truncation.

Laboratory for Molecular Medicine, Mass General Brigham Personalized Medicine
Classification: Pathogenic for Familial multiple polyposis syndrome. Last evaluated: 2020-07-28. Review status: criteria provided, single submitter. Criteria: ACMG Guidelines, 2015. Collection method: clinical testing. Allele origin: germline. Inheritance: Autosomal dominant inheritance.
Comment: proposed classification - variant undergoing re-assessment, contact laboratory

Genetic Services Laboratory, University of Chicago
Classification: Pathogenic. Last evaluated: 2020-07-20. Review status: criteria provided, single submitter. Criteria: ACMG Guidelines, 2015. Collection method: clinical testing. Allele origin: germline. Affected: yes.

Quest Diagnostics Nichols Institute San Juan Capistrano
Classification: Pathogenic. Last evaluated: 2017-05-12. Review status: criteria provided, single submitter. Criteria: Quest Diagnostics criteria. Collection method: clinical testing. Allele origin: germline.

Center for Genomics, Ann and Robert H. Lurie Children's Hospital of Chicago
Classification: Pathogenic for Colorectal cancer; Familial adenomatous polyposis 1; Desmoid disease, hereditary; Hepatocellular carcinoma; Gastric cancer; Gastric adenocarcinoma and proximal polyposis of the stomach. Review status: criteria provided, single submitter. Criteria: ACMG Guidelines, 2015. Collection method: clinical testing. Allele origin: germline.
Comment: APC NM_000038.5 exon 15 p.Ala1050Glufs*6 (c.3149del): This variant has been reported in the literature in several individuals with familial adenomatous polyposis (FAP) (Freidl 2001 PMID:11247895, Friedl 2005 PMID:20223039, Cruz-Correa 2013 PMID:23460355, Inra 2015 PMID:25590978). This variant is not present in large control databases but is present in ClinVar, with several labs classifying this variant as pathogenic (Variation ID:183078). Evolutionary conservation and computational predictive tools for this variant are limited or unavailable. This variant creates a premature stop codon 6 amino acids downstream from this location. This variant occurs within the last exon of the gene and therefore may escape nonsense medicated decay. However, this variant still leads to a loss >50% of the protein. Additionally, several other truncating variants downstream of this one have been reported in ClinVar as pathogenic. Of note, this variant affects the carboxyl-terminal of the protein, which is thought to be important for microtubule interaction and EB1 protein binding (Wen 2004 PMID:15311282, Moseley 2007 PMID:17293347). In summary, this variant is classified as pathogenic based on the data above.

PreventionGenetics, part of Exact Sciences
Classification: Pathogenic for APC-related condition. Last evaluated: 2023-11-22. Review status: no assertion criteria provided. Collection method: clinical testing. Allele origin: germline. Not counted in ClinVar's aggregate classification.
Comment: The APC c.3149delC variant is predicted to result in a frameshift and premature protein termination (p.Ala1050Glufs*6). This variant has been reported in individuals and/or families with adenomatous polyposis coli and/or colorectal cancer (Table 2, Friedl et al. 2001. PubMed ID: 11247896; Table S1, Friedl et al. 2005. PubMed ID: 20223039; Table 2, Cruz-Correa et al. 2013. PubMed ID: 23460355; Table S5, Inra et al. 2015. PubMed ID: 25590978). This variant has not been reported in a large population database, indicating this variant is rare. It is interpreted as pathogenic in ClinVar. This variant resides within the final exon of this gene and it is unclear if the resulting mRNA would undergo nonsense mediated decay: However, downstream truncating variants of this variant are reported to be pathogenic (e.g. Brensinger et al. 1998. PubMed ID: 9824584). Frameshift variants in APC are expected to be pathogenic. This variant is interpreted as pathogenic.

Counsyl
Classification: Pathogenic for Familial adenomatous polyposis 1. Last evaluated: 2016-04-19. Review status: no assertion criteria provided. Collection method: clinical testing. Allele origin: unknown. Not counted in ClinVar's aggregate classification.

Literature cited by the submitters: PubMed 11247896 (cited by 5 submitters); PubMed 20223039 (cited by 3 submitters); PubMed 22425061 (cited by 3 submitters); PubMed 23460355 (cited by 6 submitters); PubMed 25590978 (cited by 7 submitters); PubMed 26690363 (cited by 3 submitters); PubMed 15311282 (cited by Labcorp Genetics (formerly Invitae), Labcorp); PubMed 17293347 (cited by Labcorp Genetics (formerly Invitae), Labcorp); PubMed 9824584 (cited by Labcorp Genetics (formerly Invitae), Labcorp); PubMed 1316610 (cited by Labcorp Genetics (formerly Invitae), Labcorp); PubMed 27081525 (cited by Labcorp Genetics (formerly Invitae), Labcorp and Ambry Genetics); PubMed 8381579 (cited by Labcorp Genetics (formerly Invitae), Labcorp); PubMed 22135120 (cited by Labcorp Genetics (formerly Invitae), Labcorp); PubMed 23484150 (cited by Ambry Genetics); PubMed 26207792 (cited by Ambry Genetics); PubMed 28127413 (cited by Ambry Genetics and Quest Diagnostics Nichols Institute San Juan Capistrano).

NM_000038.6(APC):c.3149del (p.Ala1050fs)

Gene: APC (APC regulator of Wnt signaling pathway; plus strand). Cytogenetic location: 5q22.2.
Variant type: Deletion.
Coding change: c.3149del on transcript NM_000038.6 (MANE Select); coding-DNA position 3149, one base deleted (C; older notation c.3149delC).
Protein change: p.Ala1050fs; shifts the reading frame from alanine 1050.
Molecular consequence: frameshift variant.
Genome position (GRCh38, 1-based): chr5:112,838,743, C deleted. VCF-style (leftmost placement, unchanged base first): chr5-112838742-GC-G. GRCh37 (hg19) VCF-style: chr5-112174439-GC-G.
Other names: c.3149del, p.Ala1050fs (NM_001127510.3, NM_001354895.2); c.3095del, p.Ala1032fs (NM_001127511.3); c.3203del, p.Ala1068fs (NM_001354896.2); c.3179del, p.Ala1060fs (NM_001354897.2); c.3074del, p.Ala1025fs (NM_001354898.2); c.3065del, p.Ala1022fs (NM_001354899.2); c.3026del, p.Ala1009fs (NM_001354900.2); c.2972del, p.Ala991fs (NM_001354901.2); and 5 more; short protein forms A1009fs, A1032fs, A767fs, A890fs, A991fs, A1022fs, A1025fs, A1050fs.
Identifiers: ClinVar variation 183078 (VCV000183078.43), dbSNP rs730882135, ClinGen allele CA008084.